The following is an entry in ClinVar:

ClinVar aggregate classification (germline): Uncertain significance. Review status: criteria provided, multiple submitters, no conflicts (2 of 4 stars). 2 submissions from 2 submitters: Uncertain significance (2). Last evaluated 2025-09-28.

Conditions:
Severe combined immunodeficiency due to DNA-PKcs deficiency. Also called: Immunodeficiency 26 with or without neurologic abnormalities; IMMUNODEFICIENCY 26 WITH NEUROLOGIC ABNORMALITIES. Identifiers: Orphanet 317425, MedGen C4014833, MONDO:0014423, OMIM 615966.

Allele frequency attached by ClinVar (database versions not stated): gnomAD exomes below 0.00001; gnomAD 0.00001; TOPMed 0.00001.
gnomAD v4.1: 3 of 1,585,624 alleles (0.00019%); highest among the groups gnomAD compares: Non-Finnish European, 0.00026%; no homozygotes.

Submissions (3):

Labcorp Genetics (formerly Invitae), Labcorp
Classification: Uncertain significance for Severe combined immunodeficiency due to DNA-PKcs deficiency. Last evaluated: 2025-09-28. Review status: criteria provided, single submitter. Criteria: Invitae Variant Classification Sherloc (09022015). Collection method: clinical testing. Allele origin: germline.
Comment: This sequence change replaces phenylalanine, which is neutral and non-polar, with leucine, which is neutral and non-polar, at codon 568 of the PRKDC protein (p.Phe568Leu). This variant is not present in population databases (gnomAD no frequency). This variant has not been reported in the literature in individuals affected with PRKDC-related conditions. ClinVar contains an entry for this variant (Variation ID: 1421220). Invitae Evidence Modeling of protein sequence and biophysical properties (such as structural, functional, and spatial information, amino acid conservation, physicochemical variation, residue mobility, and thermodynamic stability) indicates that this missense variant is not expected to disrupt PRKDC protein function with a negative predictive value of 80%. In summary, the available evidence is currently insufficient to determine the role of this variant in disease. Therefore, it has been classified as a Variant of Uncertain Significance.

Ambry Genetics
Classification: Uncertain significance. Last evaluated: 2021-09-02. Review status: criteria provided, single submitter. Criteria: Ambry Variant Classification Scheme 2023. Collection method: clinical testing. Allele origin: germline.
Comment: The p.F568L variant (also known as c.1704T>G), located in coding exon 16 of the PRKDC gene, results from a T to G substitution at nucleotide position 1704. The phenylalanine at codon 568 is replaced by leucine, an amino acid with highly similar properties. This amino acid position is conserved. In addition, this alteration is predicted to be tolerated by in silico analysis. Since supporting evidence is limited at this time, the clinical significance of this alteration remains unclear.

Dr. Peter K. Rogan Lab, Western University
No classification provided (evidence only). Condition: Sarcoma. Review status: no classification provided. Collection method: in vitro. Allele origin: not applicable. Functional consequence: retained intron. Not counted in ClinVar's aggregate classification.

NM_006904.7(PRKDC):c.1704T>G (p.Phe568Leu)

Gene: PRKDC (protein kinase, DNA-activated, catalytic subunit; minus strand). Cytogenetic location: 8q11.21.
Variant type: single nucleotide variant.
Coding change: c.1704T>G on transcript NM_006904.7 (MANE Select); coding-DNA position 1704, T replaced by G.
Protein change: p.Phe568Leu; replaces phenylalanine 568 with leucine.
Molecular consequence: missense variant.
Genome position (GRCh38, 1-based): chr8:47,933,092, A>C on the plus strand (T>G on the coding strand, the complement: PRKDC is on the minus strand). VCF-style: chr8-47933092-A-C. GRCh37 (hg19) VCF-style: chr8-48845652-A-C.
Other names: c.1704T>G, p.Phe568Leu (NM_001081640.2); short protein forms F568L.
Identifiers: ClinVar variation 1421220 (VCV001421220.9), dbSNP rs1192522380, ClinGen allele CA371165045.